The following is an entry in ClinVar:

ClinVar aggregate classification (germline): Likely benign. Review status: criteria provided, multiple submitters, no conflicts (2 of 4 stars). 4 submissions from 4 submitters: Likely benign (4). Last evaluated 2025-06-24.

Conditions:
NPRL3-related disorder. Also called: NPRL3-related condition.
Epilepsy, familial focal, with variable foci 3 (FFEVF3). Identifiers: MedGen C4310708, MONDO:0014925, OMIM 617118.

Allele frequency attached by ClinVar (database versions not stated): TOPMed 0.00005; gnomAD 0.00006; gnomAD exomes 0.00007 and 0.00013; ExAC 0.00009.
gnomAD v4.1: 198 of 1,558,562 alleles (0.013%); highest among the groups gnomAD compares: Non-Finnish European, 0.016%; no homozygotes.

Submissions (4):

PreventionGenetics, part of Exact Sciences
Classification: Likely benign for NPRL3-related condition. Last evaluated: 2025-06-24. Review status: criteria provided, single submitter. Criteria: ACMG Guidelines, 2015. Collection method: clinical testing. Allele origin: germline.
Comment: This variant is classified as likely benign based on ACMG/AMP sequence variant interpretation guidelines (Richards et al. 2015 PMID: 25741868, with internal and published modifications).

Labcorp Genetics (formerly Invitae), Labcorp
Classification: Likely benign for Epilepsy, familial focal, with variable foci 3. Last evaluated: 2024-09-29. Review status: criteria provided, single submitter. Criteria: Invitae Variant Classification Sherloc (09022015). Collection method: clinical testing. Allele origin: germline.

Blueprint Genetics
Classification: Likely benign. Last evaluated: 2024-09-12. Review status: criteria provided, single submitter. Criteria: ACMG Guidelines, 2015. Collection method: clinical testing. Allele origin: germline.

CeGaT Center for Human Genetics Tuebingen
Classification: Likely benign. Last evaluated: 2022-05-01. Review status: criteria provided, single submitter. Criteria: CeGaT Center For Human Genetics Tuebingen Variant Classification Criteria Version 2. Collection method: clinical testing. Allele origin: germline. Affected: yes. Observed: 1 variant allele.
Comment: NPRL3: BP4, BP7

NM_001077350.3(NPRL3):c.951G>A (p.Val317=)

Genes: HBA-LCR (alpha-globin locus control region; plus strand), NPRL3 (NPR3 like, GATOR1 complex subunit; minus strand). Cytogenetic location: 16p13.3.
Variant type: single nucleotide variant.
Coding change: c.951G>A on transcript NM_001077350.3 (MANE Select); coding-DNA position 951, G replaced by A.
Protein change: p.Val317=; no amino-acid change (valine 317 retained).
Molecular consequence: synonymous variant.
Genome position (GRCh38, 1-based): chr16:93,299, C>T on the plus strand (G>A on the coding strand, the complement: NPRL3 is on the minus strand). VCF-style: chr16-93299-C-T. GRCh37 (hg19) VCF-style: chr16-143297-C-T.
Other names: c.414G>A, p.Val138= (NM_001039476.3); c.717G>A, p.Val239= (NM_001243247.2); c.876G>A, p.Val292= (NM_001243248.2, NM_001243249.2).
Identifiers: ClinVar variation 542799 (VCV000542799.32), dbSNP rs747655659, ClinGen allele CA7769494.